The following is an entry in ClinVar:

NM_022124.6(CDH23):c.6748C>G (p.Leu2250Val)

Gene: CDH23 (cadherin related 23; plus strand). Cytogenetic location: 10q22.1.
Variant type: single nucleotide variant.
Coding change: c.6748C>G on transcript NM_022124.6 (MANE Select); coding-DNA position 6748, C replaced by G.
Protein change: p.Leu2250Val; replaces leucine 2250 with valine.
Molecular consequence: missense variant.
Genome position (GRCh38, 1-based): chr10:71,797,139, C>G. VCF-style: chr10-71797139-C-G. GRCh37 (hg19) VCF-style: chr10-73556896-C-G.
Other names: c.28C>G, p.Leu10Val (NM_001171933.1, NM_001171934.1); short protein forms L10V, L2250V.
Identifiers: ClinVar variation 2428844 (VCV002428844.3), dbSNP rs2494395097, ClinGen allele CA377156970.

ClinVar aggregate classification (germline): Uncertain significance (1 of 4 stars; one submission).

Allele frequency attached by ClinVar (database versions not stated): gnomAD exomes below 0.00001.
gnomAD v4.1: 1 of 1,613,530 alleles (0.000062%); highest among the groups gnomAD compares: Non-Finnish European, 0.000085%; no homozygotes.

Submission:

GeneDx
Classification: Uncertain significance. Last evaluated: 2022-08-05. Review status: criteria provided, single submitter. Criteria: GeneDx Variant Classification Process June 2021. Collection method: clinical testing. Allele origin: germline. Affected: yes.
Comment: Not observed at significant frequency in large population cohorts (gnomAD); In silico analysis supports that this missense variant does not alter protein structure/function; Has not been previously published as pathogenic or benign to our knowledge